The following is an entry in ClinVar:

NM_001375524.1(TRRAP):c.5026C>A (p.Arg1676Ser)

Genes: TRRAP (transformation/transcription domain associated protein; plus strand), LOC126860121 (MED14-independent group 3 enhancer GRCh37_chr7:98547245-98548444; plus strand). Cytogenetic location: 7q22.1.
Variant type: single nucleotide variant.
Coding change: c.5026C>A on transcript NM_001375524.1 (MANE Select); coding-DNA position 5026, C replaced by A.
Protein change: p.Arg1676Ser; replaces arginine 1676 with serine.
Molecular consequence: missense variant.
Genome position (GRCh38, 1-based): chr7:98,949,732, C>A. VCF-style: chr7-98949732-C-A. GRCh37 (hg19) VCF-style: chr7-98547355-C-A.
Other names: c.5005C>A, p.Arg1669Ser (NM_001244580.2); c.4951C>A, p.Arg1651Ser (NM_003496.4); short protein forms R1651S, R1676S, R1669S.
Identifiers: ClinVar variation 4742220 (VCV004742220.1).

ClinVar aggregate classification (germline): Uncertain significance (1 of 4 stars; one submission).

Submission:

Labcorp Genetics (formerly Invitae), Labcorp
Classification: Uncertain significance. Last evaluated: 2025-03-12. Review status: criteria provided, single submitter. Criteria: Invitae Variant Classification Sherloc (09022015). Collection method: clinical testing. Allele origin: germline.
Comment: This sequence change replaces arginine, which is basic and polar, with serine, which is neutral and polar, at codon 1651 of the TRRAP protein (p.Arg1651Ser). This variant is not present in population databases (gnomAD no frequency). This variant has not been reported in the literature in individuals affected with TRRAP-related conditions. Invitae Evidence Modeling of protein sequence and biophysical properties (such as structural, functional, and spatial information, amino acid conservation, physicochemical variation, residue mobility, and thermodynamic stability) indicates that this missense variant is not expected to disrupt TRRAP protein function with a negative predictive value of 80%. In summary, the available evidence is currently insufficient to determine the role of this variant in disease. Therefore, it has been classified as a Variant of Uncertain Significance.